The following is an entry in ClinVar:

ClinVar aggregate classification (germline): Likely pathogenic (1 of 4 stars; one submission).

Conditions:
Polycystic kidney disease, adult type (PKD1). Also called: POLYCYSTIC KIDNEY DISEASE, ADULT, TYPE I; Polycystic Kidney Disease 1, Autosomal Dominant; Polycystic kidney disease 1; Polycystic kidney disease 1, severe; Polycystic Kidney, Autosomal Dominant; POLYCYSTIC KIDNEY DISEASE 1 WITH OR WITHOUT POLYCYSTIC LIVER DISEASE. Identifiers: MedGen C3149841, MONDO:0008263, OMIM 173900.

Submission:

Juno Genomics, Hangzhou Juno Genomics, Inc
Classification: Likely pathogenic for Polycystic kidney disease, adult type. Review status: criteria provided, single submitter. Criteria: ACMG Guidelines, 2015. Collection method: clinical testing. Allele origin: germline. Affected: yes.
Comment: Absent from controls (or at extremely low frequency if recessive) in Genome Aggregation Database, Exome Sequencing Project, 1000 Genomes Project, or Exome Aggregation Consortium.;Null variant in a gene where loss of function (LOF) is a known mechanism of disease.

NM_001009944.3(PKD1):c.2096del (p.Ser699fs)

Gene: PKD1 (polycystin 1, transient receptor potential channel interacting; minus strand). Cytogenetic location: 16p13.3.
Variant type: Deletion.
Coding change: c.2096del on transcript NM_001009944.3 (MANE Select); coding-DNA position 2096, one base deleted (C; older notation c.2096delC).
Protein change: p.Ser699fs; shifts the reading frame from serine 699.
Molecular consequence: frameshift variant.
Genome position (GRCh38, 1-based): chr16:2,115,379, G deleted on the plus strand (C on the coding strand, the reverse complement: PKD1 is on the minus strand). VCF-style (leftmost placement, unchanged base first): chr16-2115378-CG-C. GRCh37 (hg19) VCF-style: chr16-2165379-CG-C.
Other names: c.2096del, p.Ser699fs (NM_000296.4); short protein forms S699fs.
Identifiers: ClinVar variation 3382422 (VCV003382422.2).